The following is an entry in ClinVar:

ClinVar aggregate classification (germline): Uncertain significance. Review status: criteria provided, multiple submitters, no conflicts (2 of 4 stars). 3 submissions from 3 submitters: Uncertain significance (2). 1 of the submissions does not count toward it. Last evaluated 2021-09-09.

Conditions:
Cystic fibrosis (CF). Also called: MUCOVISCIDOSIS. Identifiers: Orphanet 586, MedGen C0010674, MONDO:0009061, OMIM 219700. Disease mechanism: loss of function.
Congenital bilateral aplasia of vas deferens from CFTR mutation (CBAVD). Identifiers: Orphanet 48, MedGen C0403814, MONDO:0010178, OMIM 277180. Disease mechanism: loss of function.

Submissions (3):

Mayo Clinic Laboratories, Mayo Clinic
Classification: Uncertain significance. Last evaluated: 2021-09-09. Review status: criteria provided, single submitter. Criteria: ACMG Guidelines, 2015. Collection method: clinical testing. Allele origin: germline.

Baylor Genetics
Classification: Uncertain significance for Congenital bilateral aplasia of vas deferens from CFTR mutation. Last evaluated: 2020-05-05. Review status: criteria provided, single submitter. Criteria: ACMG Guidelines, 2015. Collection method: clinical testing. Allele origin: unknown. Affected: yes.
Comment: This variant was determined to be of uncertain significance according to ACMG Guidelines, 2015 [PMID:25741868].

Genetic Laboratory, Salmaniya Medical Complex
Classification: Uncertain significance for Cystic fibrosis. Last evaluated: 2021-12-23. Review status: no assertion criteria provided. Collection method: clinical testing. Allele origin: germline. Inheritance: Autosomal recessive inheritance. Affected: yes. Observed: 1 heterozygote. Not counted in ClinVar's aggregate classification.
Comment: As such no conclusion can be reached in regard of pathogenicity.

NM_000492.4(CFTR):c.389T>C (p.Leu130Pro)

Gene: CFTR (CF transmembrane conductance regulator; plus strand). Cytogenetic location: 7q31.2.
Variant type: single nucleotide variant.
Coding change: c.389T>C on transcript NM_000492.4 (MANE Select); coding-DNA position 389, T replaced by C.
Protein change: p.Leu130Pro; replaces leucine 130 with proline.
Molecular consequence: missense variant.
Genome position (GRCh38, 1-based): chr7:117,531,014, T>C. VCF-style: chr7-117531014-T-C. GRCh37 (hg19) VCF-style: chr7-117171068-T-C.
Other names: p.L130P; p.Leu130Pro; short protein forms L130P.
Identifiers: ClinVar variation 1029874 (VCV001029874.7), dbSNP rs1798853976, ClinGen allele CA368974588.